The following is an entry in ClinVar:

ClinVar aggregate classification (germline): Likely benign. Review status: criteria provided, multiple submitters, no conflicts (2 of 4 stars). 4 submissions from 4 submitters: Likely benign (4). Last evaluated 2026-04-20.

Conditions:
TG-related disorder. Also called: TG-related disorders; TG-related condition.

Allele frequency attached by ClinVar (database versions not stated): ExAC 0.00008; ESP Exome Variant Server 0.00015; 1000 Genomes Project 30x 0.00016; 1000 Genomes Project 0.00020.
gnomAD v4.1: 74 of 1,614,228 alleles (0.0046%); highest among the groups gnomAD compares: Middle Eastern, 0.033%; no homozygotes.

Submissions (4):

Women's Health and Genetics/Laboratory Corporation of America, LabCorp
Classification: Likely benign. Last evaluated: 2026-04-20. Review status: criteria provided, single submitter. Criteria: LabCorp Variant Classification Summary - May 2015. Collection method: clinical testing. Allele origin: germline.

Labcorp Genetics (formerly Invitae), Labcorp
Classification: Likely benign. Last evaluated: 2025-12-16. Review status: criteria provided, single submitter. Criteria: Invitae Variant Classification Sherloc (09022015). Collection method: clinical testing. Allele origin: germline.

PreventionGenetics, part of Exact Sciences
Classification: Likely benign for TG-related condition. Last evaluated: 2025-06-12. Review status: criteria provided, single submitter. Criteria: ACMG Guidelines, 2015. Collection method: clinical testing. Allele origin: germline.
Comment: This variant is classified as likely benign based on ACMG/AMP sequence variant interpretation guidelines (Richards et al. 2015 PMID: 25741868, with internal and published modifications).

Blueprint Genetics
Classification: Likely benign. Last evaluated: 2023-02-06. Review status: criteria provided, single submitter. Criteria: ACMG Guidelines, 2015. Collection method: clinical testing. Allele origin: germline.

NM_003235.5(TG):c.3039C>T (p.Asp1013=)

Gene: TG (thyroglobulin; plus strand). Cytogenetic location: 8q24.22.
Variant type: single nucleotide variant.
Coding change: c.3039C>T on transcript NM_003235.5 (MANE Select); coding-DNA position 3039, C replaced by T.
Protein change: p.Asp1013=; no amino-acid change (aspartic acid 1013 retained).
Molecular consequence: synonymous variant.
Genome position (GRCh38, 1-based): chr8:132,897,686, C>T. VCF-style: chr8-132897686-C-T. GRCh37 (hg19) VCF-style: chr8-133909931-C-T.
Other names: c.3039C>T (NM_003235.4).
Identifiers: ClinVar variation 2722389 (VCV002722389.6), dbSNP rs185607407, ClinGen allele CA4883598.
Genomic context (GRCh38, chr8:132,897,686, plus strand): 5'-CTTTTCTCCTTCCCTGACTCCAGCCTTAAGCTTCTATCAGAGACGCCGCTTTTCCCCGGA[C>T]GACTCGGCTGGAGCATCCGCCCTTCTGCGGTCGGGCCCCTACATGCCACAGTGTGATGCG-3'
Protein context (NP_003226.4, residues 1003-1023): SFYQRRRFSP[Asp1013=]DSAGASALLR